The following is an entry in ClinVar:

NM_001033855.3(DCLRE1C):c.1751_1767del (p.Glu584fs)

Gene: DCLRE1C (DNA cross-link repair 1C; minus strand). Cytogenetic location: 10p13.
Variant type: Deletion.
Coding change: c.1751_1767del on transcript NM_001033855.3 (MANE Select); coding-DNA positions 1751 to 1767, 17 bases deleted (AGAATATTCCTGCCTCT).
Protein change: p.Glu584fs; shifts the reading frame from glutamic acid 584.
Molecular consequence: frameshift variant. On other transcripts: non-coding transcript variant (4).
Genome position (GRCh38, 1-based): chr10:14,908,720-14,908,736, AGAGGCAGGAATATTCT deleted on the plus strand (AGAATATTCCTGCCTCT on the coding strand, the reverse complement: DCLRE1C is on the minus strand). VCF-style (leftmost placement, unchanged base first): chr10-14908719-GAGAGGCAGGAATATTCT-G. GRCh37 (hg19) VCF-style: chr10-14950718-GAGAGGCAGGAATATTCT-G.
Other names: c.1391_1407del, p.Glu464fs (NM_001033857.3, NM_001033858.3, NM_001289077.2 and 2 more transcripts); c.1406_1422del, p.Glu469fs (NM_001289076.2, NM_001289078.2, NM_001350966.2 and 1 more transcripts); c.1751_1767del, p.Glu584fs (NM_001350965.2); short protein forms E464fs, E469fs, E584fs.
Identifiers: ClinVar variation 4065778 (VCV004065778.2).

ClinVar aggregate classification (germline): Likely pathogenic (1 of 4 stars; one submission).

Conditions:
Athabaskan severe combined immunodeficiency (SCIDA). Also called: Severe combined immunodeficiency, athabascan-type. Identifiers: MedGen C1865370.

Submission:

Natera, Inc.
Classification: Likely pathogenic for Athabascan severe combined immunodeficiency. Last evaluated: 2025-04-03. Review status: criteria provided, single submitter. Criteria: Natera Variant Classification Schema (03/2026). Collection method: clinical testing. Allele origin: germline.
Comment: The c.1751_1767del variant in DCLRE1C is a frameshift variant predicted to shift the reading frame beginning at codon 584 and leads to a stop codon 15 codons downstream. This variant is expected to result in nonsense mediated decay, truncation, or a dysfunctional protein product. This variant is rare in the general population with a frequency below the threshold expected for the associated phenotype(s). Given the available evidence, this variant is classified as Likely Pathogenic.